The following is an entry in ClinVar:

NM_014967.5(FAN1):c.560_561del (p.Thr187fs)

Gene: FAN1 (FANCD2 and FANCI associated nuclease 1; plus strand). Cytogenetic location: 15q13.3.
Variant type: Microsatellite.
Coding change: c.560_561del on transcript NM_014967.5 (MANE Select); coding-DNA positions 560 to 561, 2 bases deleted (CA; older notation c.560_561delCA).
Protein change: p.Thr187fs; shifts the reading frame from threonine 187.
Molecular consequence: frameshift variant.
Genome position (GRCh38, 1-based): chr15:30,905,223-30,905,224, CA deleted; deleting any 2 consecutive bases within chr15:30,905,221-30,905,224 gives the same sequence; the c. name uses the placement nearest the transcript's 3' end. VCF-style (leftmost placement, unchanged base first): chr15-30905220-CCA-C. GRCh37 (hg19) VCF-style: chr15-31197423-CCA-C.
Other names: c.560_561del, p.Thr187fs (NM_001146094.2, NM_001146095.1, NM_001146096.2); c.560_561del (NM_014967.4); short protein forms T187fs.
Identifiers: ClinVar variation 2440211 (VCV002440211.8), dbSNP rs772700881, ClinGen allele CA7450089.

ClinVar aggregate classification (germline): Conflicting classifications of pathogenicity. Review status: criteria provided, conflicting classifications (1 of 4 stars). 5 submissions from 5 submitters: Pathogenic (2); Likely pathogenic (2); Uncertain significance (1). Last evaluated 2025-11-13.

Conditions:
Karyomegalic interstitial nephritis. Identifiers: Orphanet 401996, MedGen C3553774, MONDO:0013898, OMIM 614817.

Submissions (5):

Labcorp Genetics (formerly Invitae), Labcorp
Classification: Pathogenic. Last evaluated: 2025-11-13. Review status: criteria provided, single submitter. Criteria: Invitae Variant Classification Sherloc (09022015). Collection method: clinical testing. Allele origin: germline.
Comment: This sequence change creates a premature translational stop signal (p.Thr187Serfs*3) in the FAN1 gene. It is expected to result in an absent or disrupted protein product. Loss-of-function variants in FAN1 are known to be pathogenic (PMID: 22772369). This variant is present in population databases (rs772700881, gnomAD 0.006%). This variant has not been reported in the literature in individuals affected with FAN1-related conditions. ClinVar contains an entry for this variant (Variation ID: 2440211). For these reasons, this variant has been classified as Pathogenic.

Dasa
Classification: Pathogenic. Last evaluated: 2025-07-29. Review status: criteria provided, single submitter. Criteria: DASA Assertion Criteria. Collection method: clinical testing. Allele origin: germline.
Comment: NM_014967.5(FAN1):c.560_561del (p.Thr187SerfsTer3) is a frameshift variant in FAN1 predicted to alter the reading frame and introduce a premature termination codon and is predicted to result in an absent or altered protein product. Loss of function is an established disease mechanism for FAN1-associated disorders. Also, this variant is rare in population databases. Based on the currently available evidence, this variant is classified as pathogenic.

GeneDx
Classification: Uncertain significance. Last evaluated: 2024-08-29. Review status: criteria provided, single submitter. Criteria: GeneDx Variant Classification Process June 2021. Collection method: clinical testing. Allele origin: germline. Affected: yes.
Comment: Reported in the published literature as a single heterozygous variant in a patient with interstitial nephritis (PMID: 31980526); Frameshift variant predicted to result in protein truncation or nonsense mediated decay in a gene for which loss of function is a known mechanism of disease; This variant is associated with the following publications: (PMID: 31980526)

Department of Pathology and Laboratory Medicine, Sinai Health System
Classification: Likely pathogenic for Karyomegalic interstitial nephritis. Last evaluated: 2023-02-15. Review status: criteria provided, single submitter. Criteria: ACMG Guidelines, 2015. Collection method: research. Allele origin: germline.

Revvity Omics, Revvity
Classification: Likely pathogenic for Karyomegalic interstitial nephritis. Last evaluated: 2022-01-13. Review status: criteria provided, single submitter. Criteria: ACMG Guidelines, 2015. Collection method: clinical testing. Allele origin: germline.

Literature cited by the submitters: PubMed 22772369 (cited by Labcorp Genetics (formerly Invitae), Labcorp).